The following is an entry in ClinVar:

ClinVar aggregate classification (germline): Uncertain significance (1 of 4 stars; one submission).

Submission:

Labcorp Genetics (formerly Invitae), Labcorp
Classification: Uncertain significance. Last evaluated: 2024-12-24. Review status: criteria provided, single submitter. Criteria: Invitae Variant Classification Sherloc (09022015). Collection method: clinical testing. Allele origin: germline.
Comment: This sequence change creates a premature translational stop signal (p.Leu103Alafs*29) in the ROM1 gene. It is expected to result in an absent or disrupted protein product. However, the current clinical and genetic evidence is not sufficient to establish whether loss-of-function variants in ROM1 cause disease. This variant is present in population databases (no rsID available, gnomAD 0.006%). This variant has not been reported in the literature in individuals affected with ROM1-related conditions. In summary, the available evidence is currently insufficient to determine the role of this variant in disease. Therefore, it has been classified as a Variant of Uncertain Significance.

NM_000327.4(ROM1):c.305dup (p.Leu103fs)

Gene: ROM1 (retinal outer segment membrane protein 1; plus strand). Cytogenetic location: 11q12.3.
Variant type: Duplication.
Coding change: c.305dup on transcript NM_000327.4 (MANE Select); coding-DNA position 305, one base duplicated (C; older notation c.305dupC).
Protein change: p.Leu103fs; shifts the reading frame from leucine 103.
Molecular consequence: frameshift variant.
Genome position (GRCh38, 1-based): chr11:62,613,586, C duplicated; the last of 3 consecutive C bases (chr11:62,613,584-62,613,586); duplicating any one gives the same sequence. VCF-style (leftmost placement, unchanged base first): chr11-62613583-G-GC. GRCh37 (hg19) VCF-style: chr11-62381055-G-GC.
Other names: short protein forms L103fs.
Identifiers: ClinVar variation 3621016 (VCV003621016.2).